The following is an entry in ClinVar:

ClinVar aggregate classification (germline): Benign (1 of 4 stars; one submission).

Conditions:
CBL-related disorder. Also called: NOONAN SYNDROME-LIKE DISORDER WITHOUT JUVENILE MYELOMONOCYTIC LEUKEMIA; CBL MUTATION-ASSOCIATED SYNDROME; CBL SYNDROME. Identifiers: Orphanet 363972, MedGen C3150803, MONDO:0013308, OMIM 613563.

Allele frequency attached by ClinVar (database versions not stated): gnomAD 0.00039 and 0.00055; TOPMed 0.00056; gnomAD exomes 0.00112; 1000 Genomes Project 30x 0.00219; 1000 Genomes Project 0.00240.
gnomAD v4.1: 165 of 231,346 alleles (0.071%); highest among the groups gnomAD compares: East Asian, 0.87%; 1 homozygote.

Submission:

Illumina Laboratory Services, Illumina
Classification: Benign for CBL-related disorder. Last evaluated: 2018-01-12. Review status: criteria provided, single submitter. Criteria: ICSL Variant Classification Criteria 13 December 2019. Collection method: clinical testing. Allele origin: germline.
Comment: This variant was observed in the ICSL laboratory as part of a predisposition screen in an ostensibly healthy population. It had not been previously curated by ICSL or reported in the Human Gene Mutation Database (HGMD: prior to June 1st, 2018), and was therefore a candidate for classification through an automated scoring system. Utilizing variant allele frequency, disease prevalence and penetrance estimates, and inheritance mode, an automated score was calculated to assess if this variant is too frequent to cause the disease. Based on the score and internal cut-off values, a variant classified as benign is not then subjected to further curation. The score for this variant resulted in a classification of benign for this disease.

NM_005188.4(CBL):c.*7314T>C

Gene: CBL (Cbl proto-oncogene; plus strand). Cytogenetic location: 11q23.3.
Variant type: single nucleotide variant.
Coding change: c.*7314T>C on transcript NM_005188.4 (MANE Select); 7314 bases downstream of the stop codon, T replaced by C.
Molecular consequence: 3 prime UTR variant.
Genome position (GRCh38, 1-based): chr11:119,307,095, T>C. VCF-style: chr11-119307095-T-C. GRCh37 (hg19) VCF-style: chr11-119177805-T-C.
Identifiers: ClinVar variation 302899 (VCV000302899.5), dbSNP rs144022588, ClinGen allele CA10630056.